The following is an entry in ClinVar:

ClinVar aggregate classification (germline): Benign/Likely benign. Review status: criteria provided, multiple submitters, no conflicts (2 of 4 stars). 6 submissions from 6 submitters: Benign (1); Likely benign (5). Last evaluated 2025-08-07.

Conditions:
Classic or attenuated familial adenomatous polyposis. Identifiers: MedGen CN372698, MONDO:0021057.
Hereditary cancer-predisposing syndrome. Also called: Hereditary Cancer Syndrome; Hereditary neoplastic syndrome; Neoplastic Syndromes, Hereditary; Tumor predisposition. Identifiers: Orphanet 140162, MedGen C0027672, MeSH D009386, MONDO:0015356.
Familial adenomatous polyposis 1 (FAP1). Also called: FAMILIAL ADENOMATOUS POLYPOSIS 1, ATTENUATED; POLYPOSIS, ADENOMATOUS INTESTINAL. Identifiers: MedGen C2713442, MONDO:0021056, OMIM 175100. Disease mechanism: loss of function.

Allele frequency attached by ClinVar (database versions not stated): gnomAD exomes below 0.00001; ExAC 0.00001; TOPMed 0.00001.
gnomAD v4.1: 2 of 1,613,980 alleles (0.00012%); highest among the groups gnomAD compares: East Asian, 0.0022%; no homozygotes.

Submissions (6):

Labcorp Genetics (formerly Invitae), Labcorp
Classification: Likely benign for Familial adenomatous polyposis 1. Last evaluated: 2025-08-07. Review status: criteria provided, single submitter. Criteria: Invitae Variant Classification Sherloc (09022015). Collection method: clinical testing. Allele origin: germline.

Myriad Genetics, Inc.
Classification: Benign for Familial adenomatous polyposis 1. Last evaluated: 2024-04-05. Review status: criteria provided, single submitter. Criteria: Myriad Autosomal Dominant, Autosomal Recessive and X-Linked Classification Criteria (2023). Collection method: clinical testing. Allele origin: unknown.
Comment: This variant is considered benign. This variant is a silent/synonymous amino acid change and it is not expected to impact splicing.

All of Us Research Program, National Institutes of Health
Classification: Likely benign for Classic or attenuated familial adenomatous polyposis. Last evaluated: 2024-01-11. Review status: criteria provided, single submitter. Criteria: ACMG Guidelines, 2015. Collection method: clinical testing. Allele origin: germline. Inheritance: Autosomal dominant inheritance. Observed: 1 variant allele, 1 heterozygote.
Comment: This study involves interpretation of variants in research participants for the purpose of population health screening. Participant phenotype was not available at the time of variant classification. Additional details can be found in publication PMID: 35346344, PMCID: PMC8962531

Ambry Genetics
Classification: Likely benign for Hereditary cancer-predisposing syndrome. Last evaluated: 2019-08-12. Review status: criteria provided, single submitter. Criteria: Ambry Variant Classification Scheme 2023. Collection method: clinical testing. Allele origin: germline.

Color Diagnostics, LLC DBA Color Health
Classification: Likely benign for Hereditary cancer-predisposing syndrome. Last evaluated: 2019-01-14. Review status: criteria provided, single submitter. Criteria: ACMG Guidelines, 2015. Collection method: clinical testing. Allele origin: germline.

GeneDx
Classification: Likely benign. Last evaluated: 2016-05-19. Review status: criteria provided, single submitter. Criteria: GeneDx Variant Classification (06012015). Collection method: clinical testing. Allele origin: germline. Affected: yes.
Comment: This variant is considered likely benign or benign based on one or more of the following criteria: it is a conservative change, it occurs at a poorly conserved position in the protein, it is predicted to be benign by multiple in silico algorithms, and/or has population frequency not consistent with disease.

NM_000038.6(APC):c.6783T>C (p.Pro2261=)

Gene: APC (APC regulator of Wnt signaling pathway; plus strand). Cytogenetic location: 5q22.2.
Variant type: single nucleotide variant.
Coding change: c.6783T>C on transcript NM_000038.6 (MANE Select); coding-DNA position 6783, T replaced by C.
Protein change: p.Pro2261=; no amino-acid change (proline 2261 retained).
Molecular consequence: synonymous variant.
Genome position (GRCh38, 1-based): chr5:112,842,377, T>C. VCF-style: chr5-112842377-T-C. GRCh37 (hg19) VCF-style: chr5-112178074-T-C.
Other names: c.6837T>C, p.Pro2279= (NM_001354896.2); c.6606T>C, p.Pro2202= (NM_001354901.2); c.6813T>C, p.Pro2271= (NM_001354897.2); c.6699T>C, p.Pro2233= (NM_001354899.2); c.6510T>C, p.Pro2170= (NM_001354902.2); c.6708T>C, p.Pro2236= (NM_001354898.2); c.6660T>C, p.Pro2220= (NM_001354900.2); c.6783T>C, p.Pro2261= (NM_001127510.3, NM_001354895.2); and 5 more.
Identifiers: ClinVar variation 386421 (VCV000386421.19), dbSNP rs767285988, ClinGen allele CA046140.